The following is an entry in ClinVar:

ClinVar aggregate classification (germline): Uncertain significance. Review status: criteria provided, multiple submitters, no conflicts (2 of 4 stars). 2 submissions from 2 submitters: Uncertain significance (2). Last evaluated 2025-09-24.

Allele frequency attached by ClinVar (database versions not stated): gnomAD 0.00001; gnomAD exomes 0.00004; ExAC 0.00013; 1000 Genomes Project 30x 0.00016; 1000 Genomes Project 0.00020.
gnomAD v4.1: 58 of 1,608,004 alleles (0.0036%); highest among the groups gnomAD compares: South Asian, 0.027%; 1 homozygote.

Submissions (2):

Labcorp Genetics (formerly Invitae), Labcorp
Classification: Uncertain significance. Last evaluated: 2025-09-24. Review status: criteria provided, single submitter. Criteria: Invitae Variant Classification Sherloc (09022015). Collection method: clinical testing. Allele origin: germline.
Comment: This sequence change replaces alanine, which is neutral and non-polar, with valine, which is neutral and non-polar, at codon 433 of the ITGAM protein (p.Ala433Val). This variant is present in population databases (rs558845660, gnomAD 0.03%). This variant has not been reported in the literature in individuals affected with ITGAM-related conditions. ClinVar contains an entry for this variant (Variation ID: 1988189). An algorithm developed to predict the effect of missense changes on protein structure and function outputs the following: PolyPhen-2: "Benign". The valine amino acid residue is found in multiple mammalian species, which suggests that this missense change does not adversely affect protein function. In summary, the available evidence is currently insufficient to determine the role of this variant in disease. Therefore, it has been classified as a Variant of Uncertain Significance.

Breakthrough Genomics
Classification: Uncertain significance. Review status: criteria provided, single submitter. Criteria: ACMG Guidelines, 2015. Collection method: not provided. Allele origin: germline. Inheritance: Unknown mechanism. Affected: yes.

NM_000632.4(ITGAM):c.1298C>T (p.Ala433Val)

Gene: ITGAM (integrin subunit alpha M; plus strand). Cytogenetic location: 16p11.2.
Variant type: single nucleotide variant.
Coding change: c.1298C>T on transcript NM_000632.4 (MANE Select); coding-DNA position 1298, C replaced by T.
Protein change: p.Ala433Val; replaces alanine 433 with valine.
Molecular consequence: missense variant.
Genome position (GRCh38, 1-based): chr16:31,278,051, C>T. VCF-style: chr16-31278051-C-T. GRCh37 (hg19) VCF-style: chr16-31289372-C-T.
Other names: c.1298C>T, p.Ala433Val (NM_001145808.2); short protein forms A433V.
Identifiers: ClinVar variation 1988189 (VCV001988189.5), dbSNP rs558845660, ClinGen allele CA8025492.